The following is an entry in ClinVar:

NM_003482.4(KMT2D):c.7117T>G (p.Ser2373Ala)

Gene: KMT2D (lysine methyltransferase 2D; minus strand). Cytogenetic location: 12q13.12.
Variant type: single nucleotide variant.
Coding change: c.7117T>G on transcript NM_003482.4 (MANE Select); coding-DNA position 7117, T replaced by G.
Protein change: p.Ser2373Ala; replaces serine 2373 with alanine.
Molecular consequence: missense variant.
Genome position (GRCh38, 1-based): chr12:49,040,653, A>C on the plus strand (T>G on the coding strand, the complement: KMT2D is on the minus strand). VCF-style: chr12-49040653-A-C. GRCh37 (hg19) VCF-style: chr12-49434436-A-C.
Other names: short protein forms S2373A.
Identifiers: ClinVar variation 2905089 (VCV002905089.3), dbSNP rs1442137943, ClinGen allele CA384748786.

ClinVar aggregate classification (germline): Uncertain significance (1 of 4 stars; one submission).

Conditions:
Kabuki syndrome. Also called: Kabuki make-up syndrome; NIIKAWA-KUROKI SYNDROME. Identifiers: Orphanet 2322, MedGen C0796004, MONDO:0016512.

Allele frequency attached by ClinVar (database versions not stated): gnomAD exomes below 0.00001; TOPMed below 0.00001; gnomAD 0.00001.
gnomAD v4.1: 2 of 1,613,522 alleles (0.00012%); highest among the groups gnomAD compares: Non-Finnish European, 0.00017%; no homozygotes.

Submission:

Labcorp Genetics (formerly Invitae), Labcorp
Classification: Uncertain significance for Kabuki syndrome. Last evaluated: 2023-10-07. Review status: criteria provided, single submitter. Criteria: Invitae Variant Classification Sherloc (09022015). Collection method: clinical testing. Allele origin: germline.
Comment: This sequence change replaces serine, which is neutral and polar, with alanine, which is neutral and non-polar, at codon 2373 of the KMT2D protein (p.Ser2373Ala). This variant is not present in population databases (gnomAD no frequency). This variant has not been reported in the literature in individuals affected with KMT2D-related conditions. Advanced modeling of protein sequence and biophysical properties (such as structural, functional, and spatial information, amino acid conservation, physicochemical variation, residue mobility, and thermodynamic stability) performed at Invitae indicates that this missense variant is not expected to disrupt KMT2D protein function. In summary, the available evidence is currently insufficient to determine the role of this variant in disease. Therefore, it has been classified as a Variant of Uncertain Significance.